The following is an entry in ClinVar:

ClinVar aggregate classification (germline): Uncertain significance. Review status: criteria provided, multiple submitters, no conflicts (2 of 4 stars). 2 submissions from 2 submitters: Uncertain significance (2). Last evaluated 2025-08-07.

Conditions:
Inborn genetic diseases. Identifiers: MedGen C0950123, MeSH D030342.
Vici syndrome (VICIS). Identifiers: Orphanet 1493, MedGen C1855772, MONDO:0009452, OMIM 242840.

Allele frequency attached by ClinVar (database versions not stated): TOPMed below 0.00001; ExAC 0.00003; gnomAD exomes 0.00004.
gnomAD v4.1: 38 of 1,614,000 alleles (0.0024%); highest among the groups gnomAD compares: Non-Finnish European, 0.0015%; no homozygotes.

Submissions (2):

Ambry Genetics
Classification: Uncertain significance for Inborn genetic diseases. Last evaluated: 2025-08-07. Review status: criteria provided, single submitter. Criteria: Ambry Variant Classification Scheme 2023. Collection method: clinical testing. Allele origin: germline.

Labcorp Genetics (formerly Invitae), Labcorp
Classification: Uncertain significance for Vici syndrome. Last evaluated: 2022-08-16. Review status: criteria provided, single submitter. Criteria: Invitae Variant Classification Sherloc (09022015). Collection method: clinical testing. Allele origin: germline.
Comment: This sequence change replaces alanine, which is neutral and non-polar, with threonine, which is neutral and polar, at codon 527 of the EPG5 protein (p.Ala527Thr). This variant is present in population databases (rs769029039, gnomAD 0.02%). This variant has not been reported in the literature in individuals affected with EPG5-related conditions. ClinVar contains an entry for this variant (Variation ID: 1519662). Algorithms developed to predict the effect of missense changes on protein structure and function are either unavailable or do not agree on the potential impact of this missense change (SIFT: "Tolerated"; PolyPhen-2: "Probably Damaging"; Align-GVGD: "Class C0"). In summary, the available evidence is currently insufficient to determine the role of this variant in disease. Therefore, it has been classified as a Variant of Uncertain Significance.

NM_020964.3(EPG5):c.1579G>A (p.Ala527Thr)

Gene: EPG5 (ectopic P-granules 5 autophagy tethering factor; minus strand). Cytogenetic location: 18q21.1.
Variant type: single nucleotide variant.
Coding change: c.1579G>A on transcript NM_020964.3 (MANE Select); coding-DNA position 1579, G replaced by A.
Protein change: p.Ala527Thr; replaces alanine 527 with threonine.
Molecular consequence: missense variant.
Genome position (GRCh38, 1-based): chr18:45,946,761, C>T on the plus strand (G>A on the coding strand, the complement: EPG5 is on the minus strand). VCF-style: chr18-45946761-C-T. GRCh37 (hg19) VCF-style: chr18-43526727-C-T.
Other names: c.1579G>A (NM_020964.2); short protein forms A527T.
Identifiers: ClinVar variation 1519662 (VCV001519662.7), dbSNP rs769029039, ClinGen allele CA8949660.
Genomic context (GRCh38, chr18:45,946,761, plus strand): 5'-ACCCAGGCCCTGAGGAGGATGGCTTCCGCTCGCTGGGCTTCATGTGGCACATAAACTCAG[C>T]TCGATTTCTAAAGGACAAGAATAATCACTCCCATCACTTAGATGTAGGCTACGTGAGTGC-3'
Protein context (NP_066015.2, residues 517-537): ALLMSPVKNR[Ala527Thr]EFMCHMKPSE